The following is an entry in ClinVar:

NM_006311.4(NCOR1):c.6798_6800del (p.Ile2267del)

Genes: NCOR1 (nuclear receptor corepressor 1; minus strand), TTC19 (tetratricopeptide repeat domain 19; plus strand). Cytogenetic location: 17p12.
Variant type: Deletion.
Coding change: c.6798_6800del on transcript NM_006311.4 (MANE Select); coding-DNA positions 6798 to 6800, 3 bases deleted (TAT; older notation c.6798_6800delTAT).
Protein change: p.Ile2267del; deletes isoleucine 2267.
Molecular consequence: inframe deletion. On other transcripts: inframe indel (1).
Genome position (GRCh38, 1-based): chr17:16,039,588-16,039,590, ATA deleted on the plus strand (TAT on the coding strand, the reverse complement: NCOR1 is on the minus strand); deleting any 3 consecutive bases within chr17:16,039,588-16,039,592 gives the same sequence; the c. name uses the placement nearest the transcript's 3' end. VCF-style (leftmost placement, unchanged base first): chr17-16039587-GATA-G. GRCh37 (hg19) VCF-style: chr17-15942901-GATA-G.
Other names: c.6487_6489delATT, p.Ile2164del (NM_001190440.2); short protein forms I2164del, I2267del.
Identifiers: ClinVar variation 3350035 (VCV003350035.1).

ClinVar aggregate classification (germline): Uncertain significance (0 of 4 stars; one submission).

Conditions:
NCOR1-related disorder. Also called: NCOR1-related condition.

Submission:

PreventionGenetics, part of Exact Sciences
Classification: Uncertain significance for NCOR1-related condition. Last evaluated: 2024-03-22. Review status: no assertion criteria provided. Collection method: clinical testing. Allele origin: germline.
Comment: The NCOR1 c.6798_6800delTAT variant is predicted to result in an in-frame deletion (p.Ile2267del). To our knowledge, this variant has not been reported in the literature or in a large population database, indicating this variant is rare. At this time, the clinical significance of this variant is uncertain due to the absence of conclusive functional and genetic evidence.